The following is an entry in ClinVar:

NM_000642.3(AGL):c.3613C>G (p.Gln1205Glu)

Gene: AGL (amylo-alpha-1,6-glucosidase and 4-alpha-glucanotransferase; plus strand). Cytogenetic location: 1p21.2.
Variant type: single nucleotide variant.
Coding change: c.3613C>G on transcript NM_000642.3 (MANE Select); coding-DNA position 3613, C replaced by G.
Protein change: p.Gln1205Glu; replaces glutamine 1205 with glutamic acid.
Molecular consequence: missense variant.
Genome position (GRCh38, 1-based): chr1:99,902,707, C>G. VCF-style: chr1-99902707-C-G. GRCh37 (hg19) VCF-style: chr1-100368263-C-G.
Other names: c.3613C>G, p.Gln1205Glu (NM_000028.3, NM_000643.3, NM_000644.3 and 1 more transcripts); c.3565C>G, p.Gln1189Glu (NM_000646.3); c.3592C>G, p.Gln1198Glu (NM_001425326.1); c.3412C>G, p.Gln1138Glu (NM_001425327.1); c.3409C>G, p.Gln1137Glu (NM_001425328.1); c.3274C>G, p.Gln1092Glu (NM_001425329.1); c.3235C>G, p.Gln1079Glu (NM_001425332.1); short protein forms Q1189E, Q1205E, Q1079E, Q1092E, Q1137E, Q1138E, Q1198E.
Identifiers: ClinVar variation 1376413 (VCV001376413.6), dbSNP rs775498547, ClinGen allele CA967159.

ClinVar aggregate classification (germline): Uncertain significance. Review status: criteria provided, multiple submitters, no conflicts (2 of 4 stars). 4 submissions from 4 submitters: Uncertain significance (4). Last evaluated 2024-05-28.

Conditions:
Glycogen storage disease type III (GSD3). Also called: FORBES DISEASE; Cori disease. Identifiers: Orphanet 366, MedGen C0017922, MONDO:0009291, OMIM 232400.
Inborn genetic diseases. Identifiers: MedGen C0950123, MeSH D030342.

Allele frequency attached by ClinVar (database versions not stated): TOPMed 0.00002.
gnomAD v4.1: 59 of 1,613,306 alleles (0.0037%); highest among the groups gnomAD compares: Non-Finnish European, 0.0048%; no homozygotes.

Submissions (4):

Blueprint Genetics
Classification: Uncertain significance. Last evaluated: 2024-05-28. Review status: criteria provided, single submitter. Criteria: ACMG Guidelines, 2015. Collection method: clinical testing. Allele origin: germline.

Genome-Nilou Lab
Classification: Uncertain significance for Glycogen storage disease type III. Last evaluated: 2023-04-11. Review status: criteria provided, single submitter. Criteria: ACMG Guidelines, 2015. Collection method: clinical testing. Allele origin: germline. Affected: no.

Ambry Genetics
Classification: Uncertain significance for Inborn genetic diseases. Last evaluated: 2023-03-24. Review status: criteria provided, single submitter. Criteria: Ambry Variant Classification Scheme 2023. Collection method: clinical testing. Allele origin: germline.

Labcorp Genetics (formerly Invitae), Labcorp
Classification: Uncertain significance for Glycogen storage disease type III. Last evaluated: 2022-07-08. Review status: criteria provided, single submitter. Criteria: Invitae Variant Classification Sherloc (09022015). Collection method: clinical testing. Allele origin: germline.
Comment: This sequence change replaces glutamine, which is neutral and polar, with glutamic acid, which is acidic and polar, at codon 1205 of the AGL protein (p.Gln1205Glu). This variant is present in population databases (rs775498547, gnomAD 0.006%). This variant has not been reported in the literature in individuals affected with AGL-related conditions. ClinVar contains an entry for this variant (Variation ID: 1376413). Algorithms developed to predict the effect of missense changes on protein structure and function are either unavailable or do not agree on the potential impact of this missense change (SIFT: "Tolerated"; PolyPhen-2: "Possibly Damaging"; Align-GVGD: "Class C0"). In summary, the available evidence is currently insufficient to determine the role of this variant in disease. Therefore, it has been classified as a Variant of Uncertain Significance.